The following is an entry in ClinVar:

ClinVar aggregate classification (germline): Likely benign (1 of 4 stars; one submission).

Allele frequency attached by ClinVar (database versions not stated): gnomAD exomes 0.00023; ExAC 0.00071; 1000 Genomes Project 0.00200.
gnomAD v4.1: 555 of 1,606,088 alleles (0.035%); highest among the groups gnomAD compares: African/African-American, 0.46%; 6 homozygotes.

Submission:

CeGaT Center for Human Genetics Tuebingen
Classification: Likely benign. Last evaluated: 2023-03-01. Review status: criteria provided, single submitter. Criteria: CeGaT Center For Human Genetics Tuebingen Variant Classification Criteria Version 2. Collection method: clinical testing. Allele origin: germline. Affected: yes. Observed: 1 variant allele.
Comment: AHNAK2: BP4, BS2

NM_138420.4(AHNAK2):c.8416A>G (p.Met2806Val)

Gene: AHNAK2 (AHNAK nucleoprotein 2; minus strand). Cytogenetic location: 14q32.33.
Variant type: single nucleotide variant.
Coding change: c.8416A>G on transcript NM_138420.4 (MANE Select); coding-DNA position 8416, A replaced by G.
Protein change: p.Met2806Val; replaces methionine 2806 with valine.
Molecular consequence: missense variant.
Genome position (GRCh38, 1-based): chr14:104,947,035, T>C on the plus strand (A>G on the coding strand, the complement: AHNAK2 is on the minus strand). VCF-style: chr14-104947035-T-C. GRCh37 (hg19) VCF-style: chr14-105413372-T-C.
Other names: c.8116A>G, p.Met2706Val (NM_001350929.2); short protein forms M2706V, M2806V.
Identifiers: ClinVar variation 2644704 (VCV002644704.24), dbSNP rs200184080, ClinGen allele CA7380106.